The following is an entry in ClinVar:

ClinVar aggregate classification (germline): Benign/Likely benign. Review status: criteria provided, multiple submitters, no conflicts (2 of 4 stars). 5 submissions from 5 submitters: Benign (2); Likely benign (2). 1 of the submissions does not count toward it. Last evaluated 2026-01-28.

Conditions:
ALG13-related disorder. Also called: ALG13-related condition.
Developmental and epileptic encephalopathy, 36 (DEE36). Also called: Epileptic encephalopathy, early infantile, 36; Congenital disorder of glycosylation, type Is; ALG13-CDG. Identifiers: Orphanet 324422, MedGen C4317295, MONDO:0010472, OMIM 300884.

Submissions (5):

Labcorp Genetics (formerly Invitae), Labcorp
Classification: Benign for Developmental and epileptic encephalopathy, 36. Last evaluated: 2026-01-28. Review status: criteria provided, single submitter. Criteria: Invitae Variant Classification Sherloc (09022015). Collection method: clinical testing. Allele origin: germline.

Blueprint Genetics
Classification: Likely benign. Last evaluated: 2024-11-15. Review status: criteria provided, single submitter. Criteria: ACMG Guidelines, 2015. Collection method: clinical testing. Allele origin: germline.

Genome-Nilou Lab
Classification: Benign for Developmental and epileptic encephalopathy, 36. Last evaluated: 2021-12-05. Review status: criteria provided, single submitter. Criteria: ACMG Guidelines, 2015. Collection method: clinical testing. Allele origin: germline. Affected: no.

GeneDx
Classification: Likely benign. Last evaluated: 2021-03-12. Review status: criteria provided, single submitter. Criteria: GeneDx Variant Classification Process June 2021. Collection method: clinical testing. Allele origin: germline. Affected: yes.

PreventionGenetics, part of Exact Sciences
Classification: Likely benign for ALG13-related condition. Last evaluated: 2021-02-23. Review status: no assertion criteria provided. Collection method: clinical testing. Allele origin: germline. Not counted in ClinVar's aggregate classification.
Comment: This variant is classified as likely benign based on ACMG/AMP sequence variant interpretation guidelines (Richards et al. 2015 PMID: 25741868, with internal and published modifications).

NM_001099922.3(ALG13):c.2797CCT[9] (p.Pro942_Pro945del)

Gene: ALG13 (ALG13 UDP-N-acetylglucosaminyltransferase subunit; plus strand). Cytogenetic location: Xq23.
Variant type: Microsatellite.
Coding change: c.2797CCT[9] on transcript NM_001099922.3 (MANE Select); nine copies in a row of the 3-base unit CCT starting at c.2797; the reference has 13 copies in a row; four copies, 12 bases deleted; also written c.2824_2835del.
Protein change: p.Pro942_Pro945del.
Molecular consequence: inframe deletion. On other transcripts: intron variant (5).
Genome position (GRCh38, 1-based): chrX:111,744,796-111,744,807, CCTCCTCCTCCT deleted; deleting any 12 consecutive bases within chrX:111,744,769-111,744,807 gives the same sequence; the position shown is the placement nearest the transcript's 3' end. VCF-style (leftmost placement, unchanged base first): chrX-111744768-ACCTCCTCCTCCT-A. GRCh37 (hg19) VCF-style: chrX-110987996-ACCTCCTCCTCCT-A.
Other names: c.2824_2835del (NM_001099922.2); c.2824_2835del12 (NM_001099922.2); c.2563CCT[9], p.Pro864_Pro867del (NM_001257231.2); c.2383+7890CCT[9] (NM_001257237.2, NM_001257234.2, NM_001257230.2); c.2209+7890CCT[9] (NM_001324293.1); c.2695+7890CCT[9] (NM_001324292.2).
Identifiers: ClinVar variation 516988 (VCV000516988.18), dbSNP rs56717389, ClinGen allele CA10493979.